The following is an entry in ClinVar:

ClinVar aggregate classification (germline): risk factor (0 of 4 stars; one submission).

Conditions:
Rheumatic heart disease. Identifiers: MedGen C0035439, MeSH D012214, MONDO:0006955.

Allele frequency attached by ClinVar (database versions not stated): 1000 Genomes Project 0.16354; 1000 Genomes Project 30x 0.16802; TOPMed 0.24389; gnomAD 0.24522 and 0.24877; gnomAD exomes 0.27638.

Submission:

Biochemistry and Molecular Biology, Faculty of Pharmacy, Al-Azhar University
Classification: risk factor for Rheumatic heart disease. Last evaluated: 2019-01-09. Review status: no assertion criteria provided. Collection method: case-control. Allele origin: germline. Affected: yes.
Comment: Increases the risk of rheumatic fever and rheumatic heart disease

NM_003665.4(FCN3):c.658+250C>A

Gene: FCN3 (ficolin 3; minus strand). Cytogenetic location: 1p36.11.
Variant type: single nucleotide variant.
Coding change: c.658+250C>A on transcript NM_003665.4 (MANE Select); 250 bases into the intron after coding-DNA position 658, C replaced by A.
Molecular consequence: intron variant.
Genome position (GRCh38, 1-based): chr1:27,370,346, G>T on the plus strand (C>A on the coding strand, the complement: FCN3 is on the minus strand). VCF-style: chr1-27370346-G-T. GRCh37 (hg19) VCF-style: chr1-27696837-G-T.
Other names: c.625+250C>A (NM_173452.3).
Identifiers: ClinVar variation 992481 (VCV000992481.3), dbSNP rs4494157, ClinGen allele CA10665795.